The following is an entry in ClinVar:

ClinVar aggregate classification (germline): Likely pathogenic (1 of 4 stars; one submission).

Conditions:
Deficiency of transaldolase. Also called: EYAID SYNDROME. Identifiers: Orphanet 101028, MedGen C1291329, MONDO:0011624, OMIM 606003.

Allele frequency attached by ClinVar (database versions not stated): gnomAD exomes below 0.00001; ExAC 0.00001.

Submission:

Neuberg Centre For Genomic Medicine, NCGM
Classification: Likely pathogenic for Deficiency of transaldolase. Review status: criteria provided, single submitter. Criteria: ACMG Guidelines, 2015. Collection method: clinical testing. Allele origin: germline. Inheritance: Autosomal recessive inheritance. Affected: yes.
Comment: The frameshift deletion p.I232Sfs*19 in TALDO1 (NM_006755.2) has not been reported previously as a pathogenic variant nor as a benign variant, to our knowledge. The p.I232Sfs*19 variant is observed in 1/30,616 (0.0033%) alleles from individuals of South Asian background in gnomAD Exomes and is novel (not in any individuals) in 1000 Genomes. This variant is predicted to cause loss of normal protein function through protein truncation caused a frameshift mutation. The frame shifted sequence continues 19 residues until a stop codon is reached. The p.I232Sfs*19 variant is a loss of function variant in the gene TALDO1, which is intolerant of Loss of Function variants. For these reasons, this variant has been classified as Likely Pathogenic.

NM_006755.2(TALDO1):c.695_696del (p.Ile232fs)

Gene: TALDO1 (transaldolase 1; plus strand). Cytogenetic location: 11p15.5.
Variant type: Deletion.
Coding change: c.695_696del on transcript NM_006755.2 (MANE Select); coding-DNA positions 695 to 696, 2 bases deleted (TT; older notation c.695_696delTT).
Protein change: p.Ile232fs; shifts the reading frame from isoleucine 232.
Molecular consequence: frameshift variant.
Genome position (GRCh38, 1-based): chr11:763,804-763,805, TT deleted. VCF-style (leftmost placement, unchanged base first): chr11-763803-ATT-A. GRCh37 (hg19) VCF-style: chr11-763803-ATT-A.
Other names: short protein forms I232fs.
Identifiers: ClinVar variation 2585189 (VCV002585189.1), dbSNP rs752085688, ClinGen allele CA5788266.
Genomic context (GRCh38, chr11:763,803, plus strand): 5'-CCAGGGGTAAAGAGTGTCACTAAAATCTACAACTACTACAAGAAGTTTAGCTACAAAACC[ATT>A]GTCATGGGCGCCTCCTTCCGCAACACGGGCGAGATCAAAGCACTGGCCGGCTGTGACTTC-3'